The following is an entry in ClinVar:

NM_000153.4(GALC):c.1897dup (p.Thr633fs)

Gene: GALC (galactosylceramidase; minus strand). Cytogenetic location: 14q31.3.
Variant type: Duplication.
Coding change: c.1897dup on transcript NM_000153.4 (MANE Select); coding-DNA position 1897, one base duplicated (A; older notation c.1897dupA).
Protein change: p.Thr633fs; shifts the reading frame from threonine 633.
Molecular consequence: frameshift variant.
Genome position (GRCh38, 1-based): chr14:87,939,919, T duplicated on the plus strand (A on the coding strand, the reverse complement: GALC is on the minus strand). VCF-style (leftmost placement, unchanged base first): chr14-87939918-G-GT. GRCh37 (hg19) VCF-style: chr14-88406262-G-GT.
Other names: c.1828dup, p.Thr610fs (NM_001201401.2); c.1819dup, p.Thr607fs (NM_001201402.2); short protein forms T607fs, T633fs, T610fs.
Identifiers: ClinVar variation 424065 (VCV000424065.10), dbSNP rs1555378538, ClinGen allele CA16619888.

ClinVar aggregate classification (germline): Pathogenic/Likely pathogenic. Review status: criteria provided, multiple submitters, no conflicts (2 of 4 stars). 2 submissions from 2 submitters: Pathogenic (1); Likely pathogenic (1). Last evaluated 2021-06-26.

Conditions:
Galactosylceramide beta-galactosidase deficiency. Also called: Leukodystrophy, Globoid Cell; Krabbe Disease; GALACTOCEREBROSIDASE DEFICIENCY; GALC DEFICIENCY; GLOBOID CELL LEUKOENCEPHALOPATHY. Identifiers: Orphanet 487, MedGen C0023521, MONDO:0009499, OMIM 245200.

Submissions (2):

Labcorp Genetics (formerly Invitae), Labcorp
Classification: Pathogenic for Galactosylceramide beta-galactosidase deficiency. Last evaluated: 2021-06-26. Review status: criteria provided, single submitter. Criteria: Invitae Variant Classification Sherloc (09022015). Collection method: clinical testing. Allele origin: germline.
Comment: This sequence change creates a premature translational stop signal (p.Thr633Asnfs*5) in the GALC gene. While this is not anticipated to result in nonsense mediated decay, it is expected to disrupt the last 53 amino acid(s) of the GALC protein. This variant is not present in population databases (ExAC no frequency). This variant has not been reported in the literature in individuals with GALC-related conditions. ClinVar contains an entry for this variant (Variation ID: 424065). This variant disrupts the C-terminus of the GALC protein. Other variant(s) that disrupt this region (p.Lys648*) have been determined to be pathogenic (Invitae). This suggests that variants that disrupt this region of the protein are likely to be causative of disease. For these reasons, this variant has been classified as Pathogenic.

GeneDx
Classification: Likely pathogenic. Last evaluated: 2018-05-17. Review status: criteria provided, single submitter. Criteria: GeneDx Variant Classification (06012015). Collection method: clinical testing. Allele origin: germline. Affected: yes.
Comment: The c.1897dupA variant in the GALC gene has not been reported previously as a pathogenic variant, nor as a benign variant, to our knowledge. The c.1897dupA variant causes a frameshift starting with codon Threonine 633, changes this amino acid to a Asparagine residue, and creates a premature Stop codon at position 5 of the new reading frame, denoted p.Thr633AsnfsX5. This variant is predicted to cause loss of normal protein function through protein truncation. The c.1897dupA variant is not observed in large population cohorts (Lek et al., 2016; 1000 Genomes Consortium et al., 2015; Exome Variant Server). The c.1897dupA variant is a strong candidate for a pathogenic variant, however the possibility it may be a rare benign variant cannot be excluded.